The following is an entry in ClinVar:

ClinVar aggregate classification (germline): Uncertain significance (1 of 4 stars; one submission).

Conditions:
Cornelia de Lange syndrome 1 (CDLS1). Also called: TYPUS DEGENERATIVUS AMSTELODAMENSIS; Brachmann de Lange syndrome; NIPBL-Related Cornelia de Lange Syndrome. Identifiers: Orphanet 199, MedGen C4551851, MONDO:0007387, OMIM 122470.

Submission:

Laboratorio de Genetica e Diagnostico Molecular, Hospital Israelita Albert Einstein
Classification: Uncertain significance for Cornelia de Lange syndrome 1. Last evaluated: 2024-06-24. Review status: criteria provided, single submitter. Criteria: ACMG Guidelines, 2015. Collection method: clinical testing. Allele origin: germline. Affected: yes.
Comment: ACMG classification criteria: PM2 supporting, PP2 supporting, BP4 supporting

NM_133433.4(NIPBL):c.1984A>G (p.Lys662Glu)

Gene: NIPBL (NIPBL cohesin loading factor; plus strand). Cytogenetic location: 5p13.2.
Variant type: single nucleotide variant.
Coding change: c.1984A>G on transcript NM_133433.4 (MANE Select); coding-DNA position 1984, A replaced by G.
Protein change: p.Lys662Glu; replaces lysine 662 with glutamic acid.
Molecular consequence: missense variant.
Genome position (GRCh38, 1-based): chr5:36,985,164, A>G. VCF-style: chr5-36985164-A-G. GRCh37 (hg19) VCF-style: chr5-36985266-A-G.
Other names: c.1984A>G, p.Lys662Glu (NM_015384.5); short protein forms K662E.
Identifiers: ClinVar variation 4056662 (VCV004056662.1).